The following is an entry in ClinVar:

ClinVar aggregate classification (germline): Pathogenic/Likely pathogenic. Review status: criteria provided, multiple submitters, no conflicts (2 of 4 stars). 4 submissions from 4 submitters: Pathogenic (3); Likely pathogenic (1). Last evaluated 2026-03-26.

Conditions:
Neurodevelopmental disorder with or without anomalies of the brain, eye, or heart (NEDBEH). Identifiers: Orphanet 494344, MedGen C5567477, MONDO:0014857, OMIM 616975.

Submissions (4):

GeneDx
Classification: Likely pathogenic. Last evaluated: 2026-03-26. Review status: criteria provided, single submitter. Criteria: GeneDx Variant Classification Process June 2021. Collection method: clinical testing. Allele origin: germline.
Comment: Has not been previously published as pathogenic or benign to our knowledge; Frameshift variant predicted to result in protein truncation or nonsense mediated decay in a gene for which loss-of-function is a known mechanism of disease; Not observed at significant frequency in large population cohorts (gnomAD)

3billion
Classification: Pathogenic for Neurodevelopmental disorder with or without anomalies of the brain, eye, or heart. Last evaluated: 2024-09-13. Review status: criteria provided, single submitter. Criteria: ACMG Guidelines, 2015. Collection method: clinical testing. Allele origin: germline. Affected: yes.
Comment: The variant is not observed in the gnomAD v4.0.0 dataset. Predicted Consequence/Location: Frameshift: predicted to result in a loss or disruption of normal protein function through nonsense-mediated decay (NMD) or protein truncation. Multiple pathogenic variants are reported downstream of the variant. The variant has been reported at least twice as pathogenic without evidence for the classification (ClinVar ID: VCV000856683). Therefore, this variant is classified as Pathogenic according to the recommendation of ACMG/AMP guideline.

Victorian Clinical Genetics Services, Murdoch Childrens Research Institute
Classification: Pathogenic for Neurodevelopmental disorder with or without anomalies of the brain, eye, or heart. Last evaluated: 2023-07-17. Review status: criteria provided, single submitter. Criteria: ACMG Guidelines, 2015. Collection method: clinical testing. Allele origin: germline. Inheritance: Autosomal dominant inheritance. Affected: yes.
Comment: Based on the classification scheme VCGS_Germline_v1.3.4, this variant is classified as Pathogenic. Following criteria are met: 0102 - Loss of function is a known mechanism of disease in this gene and is associated with neurodevelopmental disorder with or without anomalies of the brain, eye, or heart (MIM#616975). (I) 0107 - This gene is associated with autosomal dominant disease. (I) 0201 - Variant is predicted to cause nonsense-mediated decay (NMD) and loss of protein (premature termination codon is located at least 54 nucleotides upstream of the final exon-exon junction). (SP) 0251 - This variant is heterozygous. (I) 0301 - Variant is absent from gnomAD (both v2 and v3). (SP) 0701 - Other NMD-predicted variants comparable to the one identified in this case have very strong previous evidence for pathogenicity (DECIPHER, PMIDs:27087320, 29330883). (SP) 0803 - This variant has limited previous evidence of pathogenicity in an unrelated individual. It has been classified as pathogenic by a diagnostic laboratory in ClinVar. (SP) 0905 - No published segregation evidence has been identified for this variant. (I) 1007 - No published functional evidence has been identified for this variant. (I) Legend: (SP) - Supporting pathogenic, (I) - Information, (SB) - Supporting benign

Labcorp Genetics (formerly Invitae), Labcorp
Classification: Pathogenic. Last evaluated: 2019-02-11. Review status: criteria provided, single submitter. Criteria: Invitae Variant Classification Sherloc (09022015). Collection method: clinical testing. Allele origin: germline.
Comment: Loss-of-function variants in RERE are known to be pathogenic (PMID: 27087320). For these reasons, this variant has been classified as Pathogenic. This variant has not been reported in the literature in individuals with RERE-related disease. This variant is not present in population databases (ExAC no frequency). This sequence change creates a premature translational stop signal (p.Lys25Argfs*71) in the RERE gene. It is expected to result in an absent or disrupted protein product.

Literature cited by the submitters: PubMed 27087320 (cited by Victorian Clinical Genetics Services, Murdoch Childrens Research Institute and Labcorp Genetics (formerly Invitae), Labcorp); PubMed 29330883 (cited by Victorian Clinical Genetics Services, Murdoch Childrens Research Institute).

NM_001042681.2(RERE):c.72_73dup (p.Lys25fs)

Gene: RERE (arginine-glutamic acid dipeptide repeats; minus strand). Cytogenetic location: 1p36.23.
Variant type: Microsatellite.
Coding change: c.72_73dup on transcript NM_001042681.2 (MANE Select); coding-DNA positions 72 to 73, 2 bases duplicated (GA; older notation c.72_73dupGA).
Protein change: p.Lys25fs; shifts the reading frame from lysine 25.
Molecular consequence: frameshift variant.
Genome position (GRCh38, 1-based): chr1:8,656,225-8,656,226, TC duplicated on the plus strand (GA on the coding strand, the reverse complement: RERE is on the minus strand); duplicating any 2 consecutive bases within chr1:8,656,225-8,656,236 gives the same sequence; the c. name uses the placement nearest the transcript's 3' end. VCF-style (leftmost placement, unchanged base first): chr1-8656224-T-TTC. GRCh37 (hg19) VCF-style: chr1-8716283-T-TTC.
Other names: c.72_73dup, p.Lys25fs (NM_012102.4); c.72_73dupGA (NM_001042681.1); c.72_73dup (NM_012102.3); short protein forms K25fs.
Identifiers: ClinVar variation 856683 (VCV000856683.10), dbSNP rs759541634, ClinGen allele CA416044801.
Genomic context (GRCh38, chr1:8,656,224, plus strand): 5'-CCTTCCAAGGTACAGCTCCGGCGTGGCCTTGAATTCTCACTCTCTCTTGCTTTGTCTCTT[T>TTC]TCTCTCTCTCTCGGTCCCGGTCTCGGTCCCGGTCCTTCTCTTTGTCTTTGTCTTTGTCTT-3'